The following is an entry in ClinVar:

NC_000003.11:g.(?_97486952)_(97516893_?)dup

Gene: ARL6 (ARF like GTPase 6; plus strand). Cytogenetic location: 3q11.2.
Variant type: Duplication.
Identifiers: ClinVar variation 1412919 (VCV001412919.4).

ClinVar aggregate classification (germline): Uncertain significance (1 of 4 stars; one submission).

Conditions:
Bardet-Biedl syndrome 3 (BBS3). Identifiers: Orphanet 110, MedGen C1859564, MONDO:0010832, OMIM 600151.
Retinitis pigmentosa 55 (RP55). Identifiers: Orphanet 791, MedGen C3150808, MONDO:0013312, OMIM 613575.

Submission:

Labcorp Genetics (formerly Invitae), Labcorp
Classification: Uncertain significance for Retinitis pigmentosa 55; Bardet-Biedl syndrome 3. Last evaluated: 2022-02-10. Review status: criteria provided, single submitter. Criteria: Invitae Variant Classification Sherloc (09022015). Collection method: clinical testing. Allele origin: germline.
Comment: A copy number gain of the genomic region encompassing the full coding sequence of the ARL6 gene has been identified. The boundaries of this event are unknown as they extend beyond the assayed region for this gene and therefore may encompass additional genes. As the precise location of this event is unknown, it may be in tandem or it may be located elsewhere in the genome. This variant has not been reported in the literature in individuals affected with ARL6-related conditions. In summary, the available evidence is currently insufficient to determine the role of this variant in disease. Therefore, it has been classified as a Variant of Uncertain Significance.